The following is an entry in ClinVar:

NM_001330078.2(NRXN1):c.660C>T (p.Gly220=)

Gene: NRXN1 (neurexin 1; minus strand). Cytogenetic location: 2p16.3.
Variant type: single nucleotide variant.
Coding change: c.660C>T on transcript NM_001330078.2 (MANE Select); coding-DNA position 660, C replaced by T.
Protein change: p.Gly220=; no amino-acid change (glycine 220 retained).
Molecular consequence: synonymous variant.
Genome position (GRCh38, 1-based): chr2:51,027,614, G>A on the plus strand (C>T on the coding strand, the complement: NRXN1 is on the minus strand). VCF-style: chr2-51027614-G-A. GRCh37 (hg19) VCF-style: chr2-51254752-G-A.
Other names: c.660C>T, p.Gly220= (NM_001330079.2, NM_001330081.2, NM_001330082.2 and 15 more transcripts).
Identifiers: ClinVar variation 1316471 (VCV001316471.6), dbSNP rs1670742227, ClinGen allele CA426129057.
Genomic context (GRCh38, chr2:51,027,614, plus strand): 5'-CTGGTCGTCCACCACGGAGCACACACCTCCGTTGAGGCACACCCCGCCCTCGCCCTCCTC[G>A]CCCGCCTCGCACGGGCTTCCCCCGCCGCTGTTGGGCGGCTCATCGTCCAGCTTCACCTCG-3'
Protein context (NP_001317007.1, residues 210-230): NSGGGSPCEA[Gly220=]EEGEGGVCLN

ClinVar aggregate classification (germline): Conflicting classifications of pathogenicity. Review status: criteria provided, conflicting classifications (1 of 4 stars). 2 submissions from 2 submitters: Uncertain significance (1); Likely benign (1). Last evaluated 2024-04-08.

Conditions:
Pitt-Hopkins-like syndrome 2 (PTHSL2). Identifiers: Orphanet 221150, Orphanet 600663, MedGen C3280479, MONDO:0013690, OMIM 614325.

Submissions (2):

Labcorp Genetics (formerly Invitae), Labcorp
Classification: Likely benign for Pitt-Hopkins-like syndrome 2. Last evaluated: 2024-04-08. Review status: criteria provided, single submitter. Criteria: Invitae Variant Classification Sherloc (09022015). Collection method: clinical testing. Allele origin: germline.

GeneDx
Classification: Uncertain significance. Last evaluated: 2019-04-15. Review status: criteria provided, single submitter. Criteria: GeneDx Variant Classification Process June 2021. Collection method: clinical testing. Allele origin: germline. Affected: yes.
Comment: Not observed in large population cohorts (Lek et al., 2016); Has not been previously published as pathogenic or benign to our knowledge; In silico analysis, which includes splice predictors and evolutionary conservation, suggests this variant may impact gene splicing. In the absence of RNA/functional studies, the actual effect of this sequence change is unknown.